The following is an entry in ClinVar:

NM_001110556.2(FLNA):c.5591A>C (p.Asn1864Thr)

Gene: FLNA (filamin A; minus strand). Cytogenetic location: Xq28.
Variant type: single nucleotide variant.
Coding change: c.5591A>C on transcript NM_001110556.2 (MANE Select); coding-DNA position 5591, A replaced by C.
Protein change: p.Asn1864Thr; replaces asparagine 1864 with threonine.
Molecular consequence: missense variant.
Genome position (GRCh38, 1-based): chrX:154,354,010, T>G on the plus strand (A>C on the coding strand, the complement: FLNA is on the minus strand). VCF-style: chrX-154354010-T-G. GRCh37 (hg19) VCF-style: chrX-153582378-T-G.
Other names: c.5567A>C, p.Asn1856Thr (NM_001456.4); short protein forms N1856T, N1864T.
Identifiers: ClinVar variation 1307621 (VCV001307621.7), dbSNP rs782095418, ClinGen allele CA415201034.

ClinVar aggregate classification (germline): Uncertain significance. Review status: criteria provided, multiple submitters, no conflicts (2 of 4 stars). 2 submissions from 2 submitters: Uncertain significance (2). Last evaluated 2025-07-23.

Conditions:
Melnick-Needles syndrome (MNS). Also called: MELNICK-NEEDLES OSTEODYSPLASTY; OSTEODYSPLASTY OF MELNICK AND NEEDLES; Melnick-Needles Syndrome (FLNA-MNS). Identifiers: Orphanet 2484, MedGen C0025237, MONDO:0010650, OMIM 309350.
Frontometaphyseal dysplasia (FMD1). Identifiers: MONDO:0015942, Orphanet 1826, MedGen C0265293.
Oto-palato-digital syndrome, type II (OPD2). Also called: Otopalatodigital Syndrome, Type II; FACIOPALATOOSSEOUS SYNDROME; OPD II SYNDROME; Otopalatodigital Syndrome Type 2 (FLNA-OPD2). Identifiers: Orphanet 669, Orphanet 90652, MedGen C1844696, MONDO:0010571, OMIM 304120.
Heterotopia, periventricular, X-linked dominant (PVNH1). Also called: X-linked periventricular heterotopia; PERIVENTRICULAR NODULAR HETEROTOPIA 4; HETEROTOPIA, PERIVENTRICULAR, 1; PERIVENTRICULAR NODULAR HETEROTOPIA 1. Identifiers: Orphanet 2149, Orphanet 82004, MedGen C1848213, MONDO:0010233, OMIM 300049.

gnomAD v4.1: 5 of 1,211,891 alleles (0.00041%); highest among the groups gnomAD compares: Non-Finnish European, 0.00056%; no homozygotes.

Submissions (2):

Labcorp Genetics (formerly Invitae), Labcorp
Classification: Uncertain significance for Oto-palato-digital syndrome, type II; Heterotopia, periventricular, X-linked dominant; Frontometaphyseal dysplasia; Melnick-Needles syndrome. Last evaluated: 2025-07-23. Review status: criteria provided, single submitter. Criteria: Invitae Variant Classification Sherloc (09022015). Collection method: clinical testing. Allele origin: germline.
Comment: This sequence change replaces asparagine, which is neutral and polar, with threonine, which is neutral and polar, at codon 1856 of the FLNA protein (p.Asn1856Thr). This variant is not present in population databases (gnomAD no frequency). This variant has not been reported in the literature in individuals affected with FLNA-related conditions. ClinVar contains an entry for this variant (Variation ID: 1307621). Invitae Evidence Modeling of protein sequence and biophysical properties (such as structural, functional, and spatial information, amino acid conservation, physicochemical variation, residue mobility, and thermodynamic stability) indicates that this missense variant is not expected to disrupt FLNA protein function with a negative predictive value of 95%. In summary, the available evidence is currently insufficient to determine the role of this variant in disease. Therefore, it has been classified as a Variant of Uncertain Significance.

GeneDx
Classification: Uncertain significance. Last evaluated: 2019-08-13. Review status: criteria provided, single submitter. Criteria: GeneDx Variant Classification Process June 2021. Collection method: clinical testing. Allele origin: germline. Affected: yes.
Comment: Not observed in large population cohorts (Lek et al., 2016); In silico analysis, which includes protein predictors and evolutionary conservation, supports a deleterious effect; Has not been previously published as pathogenic or benign to our knowledge